The following is an entry in ClinVar:

NM_001111.5(ADAR):c.289G>A (p.Val97Met)

Gene: ADAR (adenosine deaminase RNA specific; minus strand). Cytogenetic location: 1q21.3.
Variant type: single nucleotide variant.
Coding change: c.289G>A on transcript NM_001111.5 (MANE Select); coding-DNA position 289, G replaced by A.
Protein change: p.Val97Met; replaces valine 97 with methionine.
Molecular consequence: missense variant. On other transcripts: 5 prime UTR variant (3), intron variant (3).
Genome position (GRCh38, 1-based): chr1:154,602,353, C>T on the plus strand (G>A on the coding strand, the complement: ADAR is on the minus strand). VCF-style: chr1-154602353-C-T. GRCh37 (hg19) VCF-style: chr1-154574829-C-T.
Other names: c.-597G>A (NM_001025107.3, NM_001193495.2, NM_001365048.1); c.316G>A, p.Val106Met (NM_001365045.1); c.289G>A, p.Val97Met (NM_015840.4, NM_015841.4); c.-493+32G>A (NM_001365046.1, NM_001365049.1, NM_001365047.1); short protein forms V106M, V97M.
Identifiers: ClinVar variation 2172529 (VCV002172529.4), dbSNP rs750065985, ClinGen allele CA1131724.

ClinVar aggregate classification (germline): Uncertain significance (1 of 4 stars; one submission).

Conditions:
Symmetrical dyschromatosis of extremities (DSH). Also called: DYSCHROMATOSIS SYMMETRICA HEREDITARIA 1; RETICULATE ACROPIGMENTATION OF DOHI; SYMMETRIC DYSCHROMATOSIS OF THE EXTREMITIES; Dyschromatosis symmetrica hereditaria. Identifiers: Orphanet 41, MedGen C0406775, MONDO:0007483, OMIM 127400.
Aicardi-Goutieres syndrome 6 (AGS6). Identifiers: Orphanet 51, MedGen C3539013, MONDO:0014007, OMIM 615010.

Submission:

Labcorp Genetics (formerly Invitae), Labcorp
Classification: Uncertain significance for Aicardi-Goutieres syndrome 6; Symmetrical dyschromatosis of extremities. Last evaluated: 2025-05-04. Review status: criteria provided, single submitter. Criteria: Invitae Variant Classification Sherloc (09022015). Collection method: clinical testing. Allele origin: germline.
Comment: This sequence change replaces valine, which is neutral and non-polar, with methionine, which is neutral and non-polar, at codon 97 of the ADAR protein (p.Val97Met). This variant is present in population databases (rs750065985, gnomAD 0.003%). This variant has not been reported in the literature in individuals affected with ADAR-related conditions. ClinVar contains an entry for this variant (Variation ID: 2172529). An algorithm developed to predict the effect of missense changes on protein structure and function (PolyPhen-2) suggests that this variant is likely to be disruptive. In summary, the available evidence is currently insufficient to determine the role of this variant in disease. Therefore, it has been classified as a Variant of Uncertain Significance.